The following is an entry in ClinVar:

NM_005751.5(AKAP9):c.7582C>G (p.Gln2528Glu)

Gene: AKAP9 (A-kinase anchoring protein 9; plus strand). Cytogenetic location: 7q21.2.
Variant type: single nucleotide variant.
Coding change: c.7582C>G on transcript NM_005751.5 (MANE Select); coding-DNA position 7582, C replaced by G.
Protein change: p.Gln2528Glu; replaces glutamine 2528 with glutamic acid.
Molecular consequence: missense variant.
Genome position (GRCh38, 1-based): chr7:92,079,715, C>G. VCF-style: chr7-92079715-C-G. GRCh37 (hg19) VCF-style: chr7-91709029-C-G.
Other names: c.2227C>G, p.Gln743Glu (NM_001379277.1); c.7558C>G, p.Gln2520Glu (NM_147185.3); short protein forms Q2520E, Q743E, Q2528E.
Identifiers: ClinVar variation 1759624 (VCV001759624.9), dbSNP rs1488811536, ClinGen allele CA368136057.
Genomic context (GRCh38, chr7:92,079,715, plus strand): 5'-GTTAGTGCAAAGGACTTAGAACTTACCCAGTGTTATAAACAAATAAAAGACATGCAAGAA[C>G]AAGGCCAGTTTGAAACAGAAATGCTTCAAAAGAAGATTGTAAACCTACAGAAAATAGTTG-3'
Protein context (NP_005742.4, residues 2518-2538): CYKQIKDMQE[Gln2528Glu]GQFETEMLQK

ClinVar aggregate classification (germline): Uncertain significance. Review status: criteria provided, multiple submitters, no conflicts (2 of 4 stars). 2 submissions from 2 submitters: Uncertain significance (2). Last evaluated 2025-05-18.

Conditions:
Long QT syndrome (LQTS). Identifiers: MedGen C0023976, MeSH D008133, MONDO:0002442. Disease mechanism: loss of function. Inheritance: Various modes of inheritance.
Cardiovascular phenotype. Identifiers: MedGen CN230736.

Allele frequency attached by ClinVar (database versions not stated): gnomAD exomes below 0.00001; TOPMed below 0.00001; gnomAD 0.00001.
gnomAD v4.1: 8 of 1,613,928 alleles (0.0005%); highest among the groups gnomAD compares: South Asian, 0.0011%; no homozygotes.

Submissions (2):

Ambry Genetics
Classification: Uncertain significance for Cardiovascular phenotype. Last evaluated: 2025-05-18. Review status: criteria provided, single submitter. Criteria: Ambry Variant Classification Scheme 2023. Collection method: clinical testing. Allele origin: germline.
Comment: The p.Q2528E variant (also known as c.7582C>G), located in coding exon 31 of the AKAP9 gene, results from a C to G substitution at nucleotide position 7582. The glutamine at codon 2528 is replaced by glutamic acid, an amino acid with highly similar properties. This amino acid position is well conserved in available vertebrate species. In addition, this alteration is predicted to be tolerated by in silico analysis. Since supporting evidence is limited at this time, the clinical significance of this alteration remains unclear.

Labcorp Genetics (formerly Invitae), Labcorp
Classification: Uncertain significance for Long QT syndrome. Last evaluated: 2022-04-27. Review status: criteria provided, single submitter. Criteria: Invitae Variant Classification Sherloc (09022015). Collection method: clinical testing. Allele origin: germline.
Comment: This sequence change replaces glutamine, which is neutral and polar, with glutamic acid, which is acidic and polar, at codon 2528 of the AKAP9 protein (p.Gln2528Glu). In summary, the available evidence is currently insufficient to determine the role of this variant in disease. Therefore, it has been classified as a Variant of Uncertain Significance. Algorithms developed to predict the effect of missense changes on protein structure and function (SIFT, PolyPhen-2, Align-GVGD) all suggest that this variant is likely to be tolerated. This variant has not been reported in the literature in individuals affected with AKAP9-related conditions. This variant is present in population databases (no rsID available, gnomAD 0.003%).